The following is an entry in ClinVar:

ClinVar aggregate classification (germline): Uncertain significance (1 of 4 stars; one submission).

Allele frequency attached by ClinVar (database versions not stated): TOPMed below 0.00001.
gnomAD v4.1: 2 of 1,611,950 alleles (0.00012%); highest among the groups gnomAD compares: Non-Finnish European, 0.00017%; no homozygotes.

Submission:

Labcorp Genetics (formerly Invitae), Labcorp
Classification: Uncertain significance. Last evaluated: 2023-07-10. Review status: criteria provided, single submitter. Criteria: Invitae Variant Classification Sherloc (09022015). Collection method: clinical testing. Allele origin: germline.
Comment: In summary, the available evidence is currently insufficient to determine the role of this variant in disease. Therefore, it has been classified as a Variant of Uncertain Significance. Advanced modeling of protein sequence and biophysical properties (such as structural, functional, and spatial information, amino acid conservation, physicochemical variation, residue mobility, and thermodynamic stability) has been performed at Invitae for this missense variant, however the output from this modeling did not meet the statistical confidence thresholds required to predict the impact of this variant on FGFR3 protein function. ClinVar contains an entry for this variant (Variation ID: 1680081). This variant has not been reported in the literature in individuals affected with FGFR3-related conditions. This variant is not present in population databases (gnomAD no frequency). This sequence change replaces proline, which is neutral and non-polar, with leucine, which is neutral and non-polar, at codon 502 of the FGFR3 protein (p.Pro502Leu).

NM_000142.5(FGFR3):c.1505C>T (p.Pro502Leu)

Gene: FGFR3 (fibroblast growth factor receptor 3; plus strand). Cytogenetic location: 4p16.3.
Variant type: single nucleotide variant.
Coding change: c.1505C>T on transcript NM_000142.5 (MANE Select); coding-DNA position 1505, C replaced by T.
Protein change: p.Pro502Leu; replaces proline 502 with leucine.
Molecular consequence: missense variant. On other transcripts: non-coding transcript variant (1).
Genome position (GRCh38, 1-based): chr4:1,805,447, C>T. VCF-style: chr4-1805447-C-T. GRCh37 (hg19) VCF-style: chr4-1807174-C-T.
Other names: c.1511C>T, p.Pro504Leu (NM_001163213.2); c.1508C>T, p.Pro503Leu (NM_001354809.2, NM_001354810.2); c.1169C>T, p.Pro390Leu (NM_022965.4); short protein forms P390L, P502L, P503L, P504L.
Identifiers: ClinVar variation 1680081 (VCV001680081.6), dbSNP rs1721767045, ClinGen allele CA355981217.
Genomic context (GRCh38, chr4:1,805,447, plus strand): 5'-GCTTCGGCCAGGTGGTCATGGCGGAGGCCATCGGCATTGACAAGGACCGGGCCGCCAAGC[C>T]TGTCACCGTAGCCGTGAAGATGCTGAAAGGTGAGGAGGGGGCGGCCAGGGGTGCAGAGCA-3'
Protein context (NP_000133.1, residues 492-512): IGIDKDRAAK[Pro502Leu]VTVAVKMLKD